The following is an entry in ClinVar:

ClinVar aggregate classification (germline): Uncertain significance. Review status: criteria provided, multiple submitters, no conflicts (2 of 4 stars). 2 submissions from 2 submitters: Uncertain significance (2). Last evaluated 2025-02-17.

Allele frequency attached by ClinVar (database versions not stated): TOPMed below 0.00001.
gnomAD v4.1: 2 of 1,211,496 alleles (0.00017%); highest among the groups gnomAD compares: Non-Finnish European, 0.00022%; no homozygotes.

Submissions (2):

Labcorp Genetics (formerly Invitae), Labcorp
Classification: Uncertain significance. Last evaluated: 2025-02-17. Review status: criteria provided, single submitter. Criteria: Invitae Variant Classification Sherloc (09022015). Collection method: clinical testing. Allele origin: germline.
Comment: This sequence change replaces aspartic acid, which is acidic and polar, with asparagine, which is neutral and polar, at codon 134 of the GRIA3 protein (p.Asp134Asn). This variant is not present in population databases (gnomAD no frequency). This variant has not been reported in the literature in individuals affected with GRIA3-related conditions. ClinVar contains an entry for this variant (Variation ID: 1931904). Invitae Evidence Modeling of protein sequence and biophysical properties (such as structural, functional, and spatial information, amino acid conservation, physicochemical variation, residue mobility, and thermodynamic stability) indicates that this missense variant is not expected to disrupt GRIA3 protein function with a negative predictive value of 80%. In summary, the available evidence is currently insufficient to determine the role of this variant in disease. Therefore, it has been classified as a Variant of Uncertain Significance.

CeGaT Center for Human Genetics Tuebingen
Classification: Uncertain significance. Last evaluated: 2022-11-01. Review status: criteria provided, single submitter. Criteria: CeGaT Center For Human Genetics Tuebingen Variant Classification Criteria Version 2. Collection method: clinical testing. Allele origin: germline. Affected: yes. Observed: 1 variant allele.
Comment: GRIA3: PM2

NM_007325.5(GRIA3):c.400G>A (p.Asp134Asn)

Gene: GRIA3 (glutamate ionotropic receptor AMPA type subunit 3; plus strand). Cytogenetic location: Xq25.
Variant type: single nucleotide variant.
Coding change: c.400G>A on transcript NM_007325.5 (MANE Select); coding-DNA position 400, G replaced by A.
Protein change: p.Asp134Asn; replaces aspartic acid 134 with asparagine.
Molecular consequence: missense variant.
Genome position (GRCh38, 1-based): chrX:123,253,434, G>A. VCF-style: chrX-123253434-G-A. GRCh37 (hg19) VCF-style: chrX-122387285-G-A.
Other names: c.400G>A, p.Asp134Asn (NM_000828.5); short protein forms D134N.
Identifiers: ClinVar variation 1931904 (VCV001931904.28), dbSNP rs1297105927, ClinGen allele CA414260455.
Genomic context (GRCh38, chrX:123,253,434, plus strand): 5'-ACCTCCTTCTGTGGGGCCCTGCACACATCCTTTGTTACGCCTAGCTTCCCCACTGACGCA[G>A]ATGTGCAGTTTGTCATCCAGATGCGCCCAGCCTTGAAGGGCGCTATTCTGAGTCTTCTGG-3'
Protein context (NP_015564.5, residues 124-144): FVTPSFPTDA[Asp134Asn]VQFVIQMRPA